The following is an entry in ClinVar:

NM_000051.4(ATM):c.8010+2T>C

Genes: C11orf65 (chromosome 11 open reading frame 65; minus strand), ATM (ATM serine/threonine kinase; plus strand). Cytogenetic location: 11q22.3.
Variant type: single nucleotide variant.
Coding change: c.8010+2T>C on transcript NM_000051.4 (MANE Select); the canonical splice donor site of the intron after coding-DNA position 8010, T replaced by C.
Molecular consequence: splice donor variant. On other transcripts: intron variant (2).
Genome position (GRCh38, 1-based): chr11:108,333,970, T>C. VCF-style: chr11-108333970-T-C. GRCh37 (hg19) VCF-style: chr11-108204697-T-C.
Other names: c.8010+2T>C (NM_001351834.2); c.641-24899A>G (NM_001330368.2); c.*38+1250A>G (NM_001351110.2).
Identifiers: ClinVar variation 652399 (VCV000652399.10), dbSNP rs1591184927, ClinGen allele CA382561824.
Genomic context (GRCh38, chr11:108,333,970, plus strand): 5'-AGCCAATTACTAAACTTAAGAATTTAGAAGATGTTGTTGTCCCTACTATGGAAATTAAGG[T>C]AATTTGCAATTAACTCTTGATTTTTTTTAAACTAAATTTTTTTTATTAGATTGAACCATT-3'

ClinVar aggregate classification (germline): Likely pathogenic. Review status: criteria provided, multiple submitters, no conflicts (2 of 4 stars). 2 submissions from 2 submitters: Likely pathogenic (2). Last evaluated 2023-02-09.

Conditions:
Familial cancer of breast. Also called: Hereditary breast cancer; BREAST CANCER, FAMILIAL; hereditary breast carcinoma. Identifiers: Orphanet 227535, MedGen C0346153, MONDO:0016419, OMIM 114480. Disease mechanism: loss of function.
Ataxia-telangiectasia syndrome (AT). Also called: Ataxia-telangiectasia, complementation group D; AT, COMPLEMENTATION GROUP C; ATAXIA-TELANGIECTASIA, COMPLEMENTATION GROUP A; ATAXIA-TELANGIECTASIA, FRESNO VARIANT; Ataxia-telangiectasia; LOUIS-BAR SYNDROME. Identifiers: Orphanet 100, MedGen C0004135, MONDO:0008840, OMIM 208900.

Submissions (2):

Myriad Genetics, Inc.
Classification: Likely pathogenic for Familial cancer of breast. Last evaluated: 2023-02-09. Review status: criteria provided, single submitter. Criteria: Myriad Autosomal Dominant, Autosomal Recessive and X-Linked Classification Criteria (2023). Collection method: clinical testing. Allele origin: unknown.
Comment: This variant is considered likely pathogenic. This variant occurs within a consensus splice junction and is predicted to result in abnormal mRNA splicing of either an out-of-frame exon or an in-frame exon necessary for protein stability and/or normal function.

Labcorp Genetics (formerly Invitae), Labcorp
Classification: Likely pathogenic for Ataxia-telangiectasia syndrome. Last evaluated: 2019-03-31. Review status: criteria provided, single submitter. Criteria: Invitae Variant Classification Sherloc (09022015). Collection method: clinical testing. Allele origin: germline.
Comment: In summary, the currently available evidence indicates that the variant is pathogenic, but additional data are needed to prove that conclusively. Therefore, this variant has been classified as Likely Pathogenic. Donor and acceptor splice site variants typically lead to a loss of protein function (PMID: 16199547), and loss-of-function variants in ATM are known to be pathogenic (PMID: 23807571, 25614872). Algorithms developed to predict the effect of sequence changes on RNA splicing suggest that this variant may disrupt the consensus splice site, but this prediction has not been confirmed by published transcriptional studies. This variant has not been reported in the literature in individuals with ATM-related disease. This variant is not present in population databases (ExAC no frequency). This sequence change affects a donor splice site in intron 54 of the ATM gene. It is expected to disrupt RNA splicing and likely results in an absent or disrupted protein product.

Literature cited by the submitters: PubMed 16199547 (cited by Labcorp Genetics (formerly Invitae), Labcorp); PubMed 23807571 (cited by Labcorp Genetics (formerly Invitae), Labcorp); PubMed 25614872 (cited by Labcorp Genetics (formerly Invitae), Labcorp).